The following is an entry in ClinVar:

NM_206933.4(USH2A):c.13550G>T (p.Gly4517Val)

Gene: USH2A (usherin; minus strand). Cytogenetic location: 1q41.
Variant type: single nucleotide variant.
Coding change: c.13550G>T on transcript NM_206933.4 (MANE Select); coding-DNA position 13550, G replaced by T.
Protein change: p.Gly4517Val; replaces glycine 4517 with valine.
Molecular consequence: missense variant.
Genome position (GRCh38, 1-based): chr1:215,674,361, C>A on the plus strand (G>T on the coding strand, the complement: USH2A is on the minus strand). VCF-style: chr1-215674361-C-A. GRCh37 (hg19) VCF-style: chr1-215847703-C-A.
Other names: short protein forms G4517V.
Identifiers: ClinVar variation 4706842 (VCV004706842.1).

ClinVar aggregate classification (germline): Uncertain significance (1 of 4 stars; one submission).

gnomAD v4.1: 15 of 1,613,854 alleles (0.00093%); highest among the groups gnomAD compares: Admixed American, 0.0017%; no homozygotes.

Submission:

Labcorp Genetics (formerly Invitae), Labcorp
Classification: Uncertain significance. Last evaluated: 2025-10-01. Review status: criteria provided, single submitter. Criteria: Invitae Variant Classification Sherloc (09022015). Collection method: clinical testing. Allele origin: germline.
Comment: This sequence change replaces glycine, which is neutral and non-polar, with valine, which is neutral and non-polar, at codon 4517 of the USH2A protein (p.Gly4517Val). This variant is present in population databases (rs775570249, gnomAD 0.003%). This variant has not been reported in the literature in individuals affected with USH2A-related conditions. Invitae Evidence Modeling of protein sequence and biophysical properties (such as structural, functional, and spatial information, amino acid conservation, physicochemical variation, residue mobility, and thermodynamic stability) indicates that this missense variant is not expected to disrupt USH2A protein function with a negative predictive value of 95%. In summary, the available evidence is currently insufficient to determine the role of this variant in disease. Therefore, it has been classified as a Variant of Uncertain Significance.